The following is an entry in ClinVar:

ClinVar aggregate classification (germline): Uncertain significance (1 of 4 stars; one submission).

Conditions:
Amyotrophic lateral sclerosis type 8 (ALS8). Identifiers: Orphanet 803, MedGen C1837728, MONDO:0012077, OMIM 608627.
Adult-onset proximal spinal muscular atrophy, autosomal dominant. Also called: Spinal muscular atrophy, late-onset, finkel type; FINKEL LATE-ADULT TYPE SMA. Identifiers: Orphanet 209335, MedGen C1854058, MONDO:0008453, OMIM 182980.

Allele frequency attached by ClinVar (database versions not stated): TOPMed below 0.00001; gnomAD 0.00001; ExAC 0.00002.
gnomAD v4.1: 19 of 1,614,076 alleles (0.0012%); highest among the groups gnomAD compares: South Asian, 0.0066%; no homozygotes.

Submission:

Labcorp Genetics (formerly Invitae), Labcorp
Classification: Uncertain significance for Adult-onset proximal spinal muscular atrophy, autosomal dominant; Amyotrophic lateral sclerosis type 8. Last evaluated: 2025-12-26. Review status: criteria provided, single submitter. Criteria: Invitae Variant Classification Sherloc (09022015). Collection method: clinical testing. Allele origin: germline.
Comment: This sequence change replaces threonine, which is neutral and polar, with alanine, which is neutral and non-polar, at codon 214 of the VAPB protein (p.Thr214Ala). This variant is present in population databases (rs761901183, gnomAD 0.002%). This variant has not been reported in the literature in individuals affected with VAPB-related conditions. ClinVar contains an entry for this variant (Variation ID: 2049675). Invitae Evidence Modeling of protein sequence and biophysical properties (such as structural, functional, and spatial information, amino acid conservation, physicochemical variation, residue mobility, and thermodynamic stability) indicates that this missense variant is not expected to disrupt VAPB protein function with a negative predictive value of 80%. In summary, the available evidence is currently insufficient to determine the role of this variant in disease. Therefore, it has been classified as a Variant of Uncertain Significance.

NM_004738.5(VAPB):c.640A>G (p.Thr214Ala)

Gene: VAPB (VAMP associated protein B and C; plus strand). Cytogenetic location: 20q13.32.
Variant type: single nucleotide variant.
Coding change: c.640A>G on transcript NM_004738.5 (MANE Select); coding-DNA position 640, A replaced by G.
Protein change: p.Thr214Ala; replaces threonine 214 with alanine.
Molecular consequence: missense variant. On other transcripts: non-coding transcript variant (1).
Genome position (GRCh38, 1-based): chr20:58,444,143, A>G. VCF-style: chr20-58444143-A-G. GRCh37 (hg19) VCF-style: chr20-57019199-A-G.
Other names: c.278A>G, p.Asn93Ser (NM_001195677.2); short protein forms N93S, T214A.
Identifiers: ClinVar variation 2049675 (VCV002049675.4), dbSNP rs761901183, ClinGen allele CA9924319.